The following is an entry in ClinVar:

ClinVar aggregate classification (germline): Pathogenic. Review status: criteria provided, multiple submitters, no conflicts (2 of 4 stars). 3 submissions from 3 submitters: Pathogenic (3). Last evaluated 2025-06-04.

Conditions:
Familial hemophagocytic lymphohistiocytosis (FHL). Also called: Familial erythrophagocytic lymphohistiocytosis; Familial histiocytic reticulosis; Hereditary hemophagocytic lymphohistiocytosis. Identifiers: Orphanet 158038, Orphanet 540, MedGen C0272199, MONDO:0015541.
Familial hemophagocytic lymphohistiocytosis 5. Also called: STXBP2-Related Familial Hemophagocytic Lymphohistiocytosis (STXBP2-fHLH). Identifiers: Orphanet 540, MedGen C2751293, MONDO:0013135, OMIM 613101.

Allele frequency attached by ClinVar (database versions not stated): ExAC 0.00001; gnomAD exomes 0.00002.

Submissions (3):

Women's Health and Genetics/Laboratory Corporation of America, LabCorp
Classification: Pathogenic for Familial hemophagocytic lymphohistiocytosis. Last evaluated: 2025-06-04. Review status: criteria provided, single submitter. Criteria: LabCorp Variant Classification Summary - May 2015. Collection method: clinical testing. Allele origin: germline.
Comment: Variant summary: STXBP2 c.1213C>T (p.Arg405Trp) results in a non-conservative amino acid change in the encoded protein sequence. Algorithms developed to predict the effect of missense changes on protein structure and function all suggest that this variant is likely to be disruptive. The variant allele was found at a frequency of 1.6e-05 in 250588 control chromosomes. c.1213C>T has been observed in individual(s) affected with Familial Hemophagocytic Lymphohistiocytosis and related conditions (Al-Herz_2018, zur Stadt_2009). These data indicate that the variant is likely to be associated with disease. A different variant affecting the same codon has been classified as likely pathogenic/pathogenic by our lab (c.1214G>A, p.Arg405Gln), supporting the critical relevance of codon 405 to STXBP2 protein function. To our knowledge, no experimental evidence demonstrating an impact on protein function has been reported. ClinVar contains an entry for this variant (Variation ID: 1454871). The following publications have been ascertained in the context of this evaluation (PMID: 30697212, 19804848). Based on the evidence outlined above, the variant was classified as pathogenic.

Baylor Genetics
Classification: Pathogenic for Familial hemophagocytic lymphohistiocytosis 5. Last evaluated: 2023-08-29. Review status: criteria provided, single submitter. Criteria: ACMG Guidelines, 2015. Collection method: clinical testing. Allele origin: unknown.

Labcorp Genetics (formerly Invitae), Labcorp
Classification: Pathogenic for Familial hemophagocytic lymphohistiocytosis 5. Last evaluated: 2021-11-14. Review status: criteria provided, single submitter. Criteria: Invitae Variant Classification Sherloc (09022015). Collection method: clinical testing. Allele origin: germline.
Comment: This missense change has been observed in individuals with hemophagocytic lymphohistiocytosis (PMID: 19804848, 20558610, 30697212). For these reasons, this variant has been classified as Pathogenic. This variant disrupts the p.Arg405 amino acid residue in STXBP2. Other variant(s) that disrupt this residue have been determined to be pathogenic (PMID: 19804848, 20798128, 23382066, 24194549, 28353193). This suggests that this residue is clinically significant, and that variants that disrupt this residue are likely to be disease-causing. Algorithms developed to predict the effect of missense changes on protein structure and function (SIFT, PolyPhen-2, Align-GVGD) all suggest that this variant is likely to be disruptive. This variant is present in population databases (rs769717341, gnomAD 0.006%). This sequence change replaces arginine, which is basic and polar, with tryptophan, which is neutral and slightly polar, at codon 405 of the STXBP2 protein (p.Arg405Trp).

Literature cited by the submitters: PubMed 19804848 (cited by Women's Health and Genetics/Laboratory Corporation of America, LabCorp and Labcorp Genetics (formerly Invitae), Labcorp); PubMed 30697212 (cited by Women's Health and Genetics/Laboratory Corporation of America, LabCorp and Labcorp Genetics (formerly Invitae), Labcorp); PubMed 20558610 (cited by Labcorp Genetics (formerly Invitae), Labcorp); PubMed 20798128 (cited by Labcorp Genetics (formerly Invitae), Labcorp); PubMed 23382066 (cited by Labcorp Genetics (formerly Invitae), Labcorp); PubMed 24194549 (cited by Labcorp Genetics (formerly Invitae), Labcorp); PubMed 28353193 (cited by Labcorp Genetics (formerly Invitae), Labcorp).

NM_006949.4(STXBP2):c.1213C>T (p.Arg405Trp)

Gene: STXBP2 (syntaxin binding protein 2; plus strand). Cytogenetic location: 19p13.2.
Variant type: single nucleotide variant.
Coding change: c.1213C>T on transcript NM_006949.4 (MANE Select); coding-DNA position 1213, C replaced by T.
Protein change: p.Arg405Trp; replaces arginine 405 with tryptophan.
Molecular consequence: missense variant. On other transcripts: non-coding transcript variant (1).
Genome position (GRCh38, 1-based): chr19:7,644,719, C>T. VCF-style: chr19-7644719-C-T. GRCh37 (hg19) VCF-style: chr19-7709605-C-T.
Other names: c.1204C>T, p.Arg402Trp (NM_001127396.3); c.1246C>T, p.Arg416Trp (NM_001272034.2); short protein forms R416W, R402W, R405W.
Identifiers: ClinVar variation 1454871 (VCV001454871.8), dbSNP rs769717341, ClinGen allele CA9144030.